The following is an entry in ClinVar:

NM_016203.4(PRKAG2):c.1366C>T (p.Arg456Ter)

Gene: PRKAG2 (protein kinase AMP-activated non-catalytic subunit gamma 2; minus strand). Cytogenetic location: 7q36.1.
Variant type: single nucleotide variant.
Coding change: c.1366C>T on transcript NM_016203.4 (MANE Select); coding-DNA position 1366, C replaced by T.
Protein change: p.Arg456Ter; replaces arginine 456 with a stop codon.
Molecular consequence: nonsense.
Genome position (GRCh38, 1-based): chr7:151,565,753, G>A on the plus strand (C>T on the coding strand, the complement: PRKAG2 is on the minus strand). VCF-style: chr7-151565753-G-A. GRCh37 (hg19) VCF-style: chr7-151262839-G-A.
Other names: c.1234C>T, p.Arg412Ter (NM_001040633.2, NM_001407024.1); c.991C>T, p.Arg331Ter (NM_001304527.2, NM_001407029.1); c.643C>T, p.Arg215Ter (NM_001304531.2, NM_024429.2, NM_001407034.1 and 1 more transcripts); c.994C>T, p.Arg332Ter (NM_001363698.2, NM_001407028.1); c.1366C>T, p.Arg456Ter (NM_001407021.1); c.1363C>T, p.Arg455Ter (NM_001407022.1, NM_001407023.1); c.1231C>T, p.Arg411Ter (NM_001407026.1, NM_001407027.1); c.640C>T, p.Arg214Ter (NM_001407039.1, NM_001407040.1, NM_001407036.1); and 6 more; short protein forms R214*, R215*, R231*, R235*, R331*, R332*, R348*, R350*.
Identifiers: ClinVar variation 4757912 (VCV004757912.1).
Genomic context (GRCh38, chr7:151,565,753, plus strand): 5'-CTGCCTGTCAGCGCCAAACACACAAACCTGACTCATCCACAACAGGCAGAGCTGATATTC[G>A]TCTTTCCACAAATATGTTCAAGGCTTTGATGATGGGAGTGTCTGGATGTATGAAGGCAAT-3'

ClinVar aggregate classification (germline): Uncertain significance (1 of 4 stars; one submission).

Conditions:
Cardiomyopathy (CMYO). Also called: Cardiomyopathies. Identifiers: Orphanet 167848, MedGen C0878544, MONDO:0004994, HP:0001638. Inheritance: Various modes of inheritance.

gnomAD v4.1: 2 of 1,613,742 alleles (0.00012%); no homozygotes.

Submission:

Color Diagnostics, LLC DBA Color Health
Classification: Uncertain significance for Cardiomyopathy. Last evaluated: 2025-09-08. Review status: criteria provided, single submitter. Criteria: ACMG Guidelines, 2015. Collection method: clinical testing. Allele origin: germline.
Comment: This variant changes 1 nucleotide in exon 12 of the PRKAG2 gene, creating a premature translation stop signal. This variant is expected to result in an absent protein product. To our knowledge, this variant has not been reported in individuals affected with PRKAG2-related disorders in the literature. This variant has not been identified in the general population by the Genome Aggregation Database (gnomAD). The role of loss-of-function PRKAG2 truncation variants in autosomal dominant cardiovascular disorders is not clearly understood. The available evidence is insufficient to determine the role of this variant in disease conclusively. Therefore, this variant is classified as a Variant of Uncertain Significance.